The following is an entry in ClinVar:

ClinVar aggregate classification (germline): Likely pathogenic. Review status: criteria provided, single submitter (1 of 4 stars). 2 submissions from 2 submitters: Likely pathogenic (1). 1 of the submissions does not count toward it. Last evaluated 2024-11-13.

Conditions:
Gaucher disease. Also called: Acute cerebral Gaucher disease; Cerebroside lipidosis syndrome; Gaucher splenomegaly; Sphingolipidosis 1; Glucocerebrosidosis; Glucosylceramidase deficiency. Identifiers: Orphanet 355, MedGen C0017205, MONDO:0018150.
Parkinson disease, late-onset (PD). Also called: Hereditary late onset Parkinson disease; Susceptibility to Parkinson's Disease; PARKINSON DISEASE, LATE-ONSET, SUSCEPTIBILITY TO. Identifiers: Orphanet 411602, MedGen C3160718, MONDO:0008199, OMIM 168600.

Allele frequency attached by ClinVar (database versions not stated): TOPMed below 0.00001.
gnomAD v4.1: 9 of 1,614,238 alleles (0.00056%); highest among the groups gnomAD compares: Non-Finnish European, 0.00025%; no homozygotes.

Submissions (2):

Natera, Inc.
Classification: Likely pathogenic for Gaucher disease. Last evaluated: 2024-11-13. Review status: criteria provided, single submitter. Criteria: Natera Variant Classification Schema (03/2026). Collection method: clinical testing. Allele origin: germline.
Comment: The c.1277C>T variant in GBA1 is a missense variant predicted to cause substitution of proline to leucine at amino acid 426. This variant is rare in the general population with a frequency below the threshold expected for the associated phenotype(s). This variant has been observed in one or more individuals affected with the associated recessive disease, as either homozygous or compound heterozygous with a second variant (PMID: 8937765, 15352589, 34649574). Given the available evidence, this variant is classified as Likely Pathogenic.

DST/NWU Preclinical Drug Development Platform, North-West University
Classification: Uncertain significance for Parkinson disease, late-onset. Last evaluated: 2015-09-08. Review status: no assertion criteria provided. Collection method: research. Allele origin: unknown. Affected: yes. Observed: 2 variant alleles, 2 heterozygotes. Study: GBA_PD_RSA. Not counted in ClinVar's aggregate classification.

Literature cited by the submitters: PubMed 8937765 (cited by Natera, Inc.); PubMed 15352589 (cited by Natera, Inc.); PubMed 34649574 (cited by Natera, Inc.).

NM_000157.4(GBA1):c.1277C>T (p.Pro426Leu)

Genes: GBA1 (glucosylceramidase beta 1; minus strand), LOC106627981 (GBA recombination region; plus strand). Cytogenetic location: 1q22.
Variant type: single nucleotide variant.
Coding change: c.1277C>T on transcript NM_000157.4 (MANE Select); coding-DNA position 1277, C replaced by T.
Protein change: p.Pro426Leu; replaces proline 426 with leucine.
Molecular consequence: missense variant.
Genome position (GRCh38, 1-based): chr1:155,235,792, G>A on the plus strand (C>T on the coding strand, the complement: GBA1 is on the minus strand). VCF-style: chr1-155235792-G-A. GRCh37 (hg19) VCF-style: chr1-155205583-G-A.
Other names: c.1277C>T, p.Pro426Leu (NM_001005741.3, NM_001005742.3); c.1016C>T, p.Pro339Leu (NM_001171811.2); c.1130C>T, p.Pro377Leu (NM_001171812.2); short protein forms P426L, P339L, P377L.
Identifiers: ClinVar variation 209104 (VCV000209104.4), dbSNP rs1057519357, ClinGen allele CA16044122.